The following is an entry in ClinVar:

NM_006231.4(POLE):c.6076A>T (p.Arg2026Trp)

Gene: POLE (DNA polymerase epsilon, catalytic subunit; minus strand). Cytogenetic location: 12q24.33.
Variant type: single nucleotide variant.
Coding change: c.6076A>T on transcript NM_006231.4 (MANE Select); coding-DNA position 6076, A replaced by T.
Protein change: p.Arg2026Trp; replaces arginine 2026 with tryptophan.
Molecular consequence: missense variant.
Genome position (GRCh38, 1-based): chr12:132,632,724, T>A on the plus strand (A>T on the coding strand, the complement: POLE is on the minus strand). VCF-style: chr12-132632724-T-A. GRCh37 (hg19) VCF-style: chr12-133209310-T-A.
Other names: short protein forms R2026W.
Identifiers: ClinVar variation 1751415 (VCV001751415.2), dbSNP rs1593708976, ClinGen allele CA387370606.

ClinVar aggregate classification (germline): Uncertain significance (1 of 4 stars; one submission).

Conditions:
Hereditary cancer-predisposing syndrome. Also called: Hereditary Cancer Syndrome; Hereditary neoplastic syndrome; Neoplastic Syndromes, Hereditary; Tumor predisposition. Identifiers: Orphanet 140162, MedGen C0027672, MeSH D009386, MONDO:0015356.

Submission:

Ambry Genetics
Classification: Uncertain significance for Hereditary cancer-predisposing syndrome. Last evaluated: 2021-11-01. Review status: criteria provided, single submitter. Criteria: Ambry Variant Classification Scheme 2023. Collection method: clinical testing. Allele origin: germline.
Comment: The p.R2026W variant (also known as c.6076A>T), located in coding exon 44 of the POLE gene, results from an A to T substitution at nucleotide position 6076. The arginine at codon 2026 is replaced by tryptophan, an amino acid with dissimilar properties. This amino acid position is conserved. In addition, this alteration is predicted to be tolerated by in silico analysis. Since supporting evidence is limited at this time, the clinical significance of this alteration remains unclear.